The following is an entry in ClinVar:

NM_007118.4(TRIO):c.7609G>T (p.Val2537Leu)

Gene: TRIO (trio Rho guanine nucleotide exchange factor; plus strand). Cytogenetic location: 5p15.2.
Variant type: single nucleotide variant.
Coding change: c.7609G>T on transcript NM_007118.4 (MANE Select); coding-DNA position 7609, G replaced by T.
Protein change: p.Val2537Leu; replaces valine 2537 with leucine.
Molecular consequence: missense variant.
Genome position (GRCh38, 1-based): chr5:14,488,237, G>T. VCF-style: chr5-14488237-G-T. GRCh37 (hg19) VCF-style: chr5-14488346-G-T.
Other names: short protein forms V2537L.
Identifiers: ClinVar variation 2602622 (VCV002602622.9), dbSNP rs763589608, ClinGen allele CA3207486.
Genomic context (GRCh38, chr5:14,488,237, plus strand): 5'-GCGGCCCCTGGCAAGGATACTGACCGCATGAGCACGTGCTCCTCGGCCAGCGAGCAGTCC[G>T]TGCAGTCCACCCAGAGCAACGGGGTAAGCGCGTCGGGGGGCCCGCGCCCTCCCGCCCCCC-3'
Protein context (NP_009049.2, residues 2527-2547): STCSSASEQS[Val2537Leu]QSTQSNGSES

ClinVar aggregate classification (germline): Likely benign. Review status: criteria provided, multiple submitters, no conflicts (2 of 4 stars). 2 submissions from 2 submitters: Likely benign (2). Last evaluated 2025-09-01.

Conditions:
Inborn genetic diseases. Identifiers: MedGen C0950123, MeSH D030342.

Allele frequency attached by ClinVar (database versions not stated): TOPMed 0.00006; gnomAD 0.00007; ExAC 0.00010.
gnomAD v4.1: 266 of 1,582,578 alleles (0.017%); highest among the groups gnomAD compares: Non-Finnish European, 0.021%; no homozygotes.

Submissions (2):

CeGaT Center for Human Genetics Tuebingen
Classification: Likely benign. Last evaluated: 2025-09-01. Review status: criteria provided, single submitter. Criteria: CeGaT Center For Human Genetics Tuebingen Variant Classification Criteria Version 2. Collection method: clinical testing. Allele origin: germline. Affected: yes. Observed: 1 variant allele.
Comment: TRIO: BS2

Ambry Genetics
Classification: Likely benign for Inborn genetic diseases. Last evaluated: 2023-08-21. Review status: criteria provided, single submitter. Criteria: Ambry Variant Classification Scheme 2023. Collection method: clinical testing. Allele origin: germline.